The following is an entry in ClinVar:

ClinVar aggregate classification (germline): Uncertain significance. Review status: criteria provided, multiple submitters, no conflicts (2 of 4 stars). 2 submissions from 2 submitters: Uncertain significance (2). Last evaluated 2025-04-04.

Submissions (2):

GeneDx
Classification: Uncertain significance. Last evaluated: 2025-04-04. Review status: criteria provided, single submitter. Criteria: GeneDx Variant Classification Process June 2021. Collection method: clinical testing. Allele origin: germline. Affected: yes.
Comment: Not observed at significant frequency in large population cohorts (gnomAD); In silico analysis supports that this missense variant has a deleterious effect on protein structure/function; Published functional studies show MgADP or MgATP activation of Kir6.2/SUR1-S2R was not detected, but binding of ATP or ADP to SUR1-S2R was not affected (PMID: 12169627); This variant is associated with the following publications: (PMID: 23345197, 15910875, 12169627)

Genetic Services Laboratory, University of Chicago
Classification: Uncertain significance. Last evaluated: 2021-07-03. Review status: criteria provided, single submitter. Criteria: ACMG Guidelines, 2015. Collection method: clinical testing. Allele origin: germline. Affected: no.
Comment: DNA sequence analysis of the ABCC8 gene demonstrated a sequence change, c.4444A>C, in exon 37 that results in an amino acid change, p.Ser1482Arg. This sequence change has been previously described in the compound heterozygous state in one individual with congenital hyperinsulinism (PMID: 23345197). This sequence change is absent in the gnomAD population database. The p.Ser1482Arg change affects a highly conserved amino acid residue located in a domain of the ABCC8 protein that is known to be functional. The p.Ser1482Arg substitution appears to be deleterious using several in-silico pathogenicity prediction tools (SIFT, PolyPhen2, Align GVGD, REVEL). Due to the lack of functional studies, the clinical significance of the p.Ser1482Arg change remains unknown at this time.

NM_000352.6(ABCC8):c.4444A>C (p.Ser1482Arg)

Gene: ABCC8 (ATP binding cassette subfamily C member 8; minus strand). Cytogenetic location: 11p15.1.
Variant type: single nucleotide variant.
Coding change: c.4444A>C on transcript NM_000352.6 (MANE Select); coding-DNA position 4444, A replaced by C.
Protein change: p.Ser1482Arg; replaces serine 1482 with arginine.
Molecular consequence: missense variant. On other transcripts: non-coding transcript variant (1).
Genome position (GRCh38, 1-based): chr11:17,394,367, T>G on the plus strand (A>C on the coding strand, the complement: ABCC8 is on the minus strand). VCF-style: chr11-17394367-T-G. GRCh37 (hg19) VCF-style: chr11-17415914-T-G.
Other names: c.4444A>C (NM_000352.3); c.4447A>C, p.Ser1483Arg (NM_001287174.3); c.4510A>C, p.Ser1504Arg (NM_001351295.2); c.4444A>C, p.Ser1482Arg (NM_001351296.2); c.4441A>C, p.Ser1481Arg (NM_001351297.2); short protein forms S1481R, S1482R, S1483R, S1504R.
Identifiers: ClinVar variation 1338647 (VCV001338647.5), dbSNP rs2133395244, ClinGen allele CA379783533.